The following is an entry in ClinVar:

ClinVar aggregate classification (germline): Uncertain significance (1 of 4 stars; one submission).

Conditions:
Hypertrophic cardiomyopathy. Also called: HYPERTROPHIC MYOCARDIOPATHY. Identifiers: Orphanet 217569, MedGen C0007194, MeSH D002312, MONDO:0005045, HP:0001639.

Submission:

Labcorp Genetics (formerly Invitae), Labcorp
Classification: Uncertain significance for Hypertrophic cardiomyopathy. Last evaluated: 2023-11-27. Review status: criteria provided, single submitter. Criteria: Invitae Variant Classification Sherloc (09022015). Collection method: clinical testing. Allele origin: germline.
Comment: This sequence change replaces arginine, which is basic and polar, with glycine, which is neutral and non-polar, at codon 568 of the MYOM1 protein (p.Arg568Gly). This variant is not present in population databases (gnomAD no frequency). This variant has not been reported in the literature in individuals affected with MYOM1-related conditions. Advanced modeling of protein sequence and biophysical properties (such as structural, functional, and spatial information, amino acid conservation, physicochemical variation, residue mobility, and thermodynamic stability) has been performed at Invitae for this missense variant, however the output from this modeling did not meet the statistical confidence thresholds required to predict the impact of this variant on MYOM1 protein function. In summary, the available evidence is currently insufficient to determine the role of this variant in disease. Therefore, it has been classified as a Variant of Uncertain Significance.

NM_003803.4(MYOM1):c.1702C>G (p.Arg568Gly)

Gene: MYOM1 (myomesin 1; minus strand). Cytogenetic location: 18p11.31.
Variant type: single nucleotide variant.
Coding change: c.1702C>G on transcript NM_003803.4 (MANE Select); coding-DNA position 1702, C replaced by G.
Protein change: p.Arg568Gly; replaces arginine 568 with glycine.
Molecular consequence: missense variant.
Genome position (GRCh38, 1-based): chr18:3,151,835, G>C on the plus strand (C>G on the coding strand, the complement: MYOM1 is on the minus strand). VCF-style: chr18-3151835-G-C. GRCh37 (hg19) VCF-style: chr18-3151833-G-C.
Other names: c.1702C>G, p.Arg568Gly (NM_019856.2); short protein forms R568G.
Identifiers: ClinVar variation 2912127 (VCV002912127.3), dbSNP rs1027670115, ClinGen allele CA401714276.